The following is an entry in ClinVar:

NM_015346.4(ZFYVE26):c.1277_1278delinsTTGAAATACAGT (p.Pro426fs)

Gene: ZFYVE26 (zinc finger FYVE-type containing 26; minus strand). Cytogenetic location: 14q24.1.
Variant type: Indel.
Coding change: c.1277_1278delinsTTGAAATACAGT on transcript NM_015346.4 (MANE Select); coding-DNA positions 1277 to 1278, CC replaced by TTGAAATACAGT.
Protein change: p.Pro426fs; shifts the reading frame from proline 426.
Molecular consequence: frameshift variant.
Genome position (GRCh38, 1-based): chr14:67,804,258-67,804,259, GG replaced by ACTGTATTTCAA on the plus strand (CC replaced by TTGAAATACAGT on the coding strand, the reverse complement: ZFYVE26 is on the minus strand). VCF-style: chr14-67804258-GG-ACTGTATTTCAA. GRCh37 (hg19) VCF-style: chr14-68270975-GG-ACTGTATTTCAA.
Other names: short protein forms P426fs.
Identifiers: ClinVar variation 1726260 (VCV001726260.2), dbSNP rs2502871862, ClinGen allele CA2580088667.

ClinVar aggregate classification (germline): Likely pathogenic (1 of 4 stars; one submission).

Conditions:
Hereditary spastic paraplegia 15 (SPG15). Also called: SPASTIC PARAPLEGIA 15, AUTOSOMAL RECESSIVE; KJELLIN SYNDROME; SPASTIC PARAPLEGIA AND RETINAL DEGENERATION. Identifiers: Orphanet 100996, MedGen C1849128, MONDO:0010044, OMIM 270700.

Submission:

Myriad Genetics, Inc.
Classification: Likely pathogenic for Hereditary spastic paraplegia 15. Last evaluated: 2021-12-09. Review status: criteria provided, single submitter. Criteria: Myriad Women's Health Autosomal Recessive and X-Linked Classification Criteria (2021). Collection method: clinical testing. Allele origin: unknown.
Comment: NM_015346.3(ZFYVE26):c.1277_1278del2ins12(P426Lfs*57) is expected to be pathogenic in the context of spastic paraplegia type 15. This variant is predicted to lead to an abnormal or absent protein product due to the creation of a premature termination codon in ZFYVE26, a gene where loss-of-function variants are known to be pathogenic. Please note: this variant was assessed in the context of healthy population screening.